The following is an entry in ClinVar:

NM_000368.5(TSC1):c.1888A>T (p.Lys630Ter)

Gene: TSC1 (TSC complex subunit 1; minus strand). Cytogenetic location: 9q34.13.
Variant type: single nucleotide variant.
Coding change: c.1888A>T on transcript NM_000368.5 (MANE Select); coding-DNA position 1888, A replaced by T.
Protein change: p.Lys630Ter; replaces lysine 630 with a stop codon.
Molecular consequence: nonsense.
Genome position (GRCh38, 1-based): chr9:132,905,690, T>A on the plus strand (A>T on the coding strand, the complement: TSC1 is on the minus strand). VCF-style: chr9-132905690-T-A. GRCh37 (hg19) VCF-style: chr9-135781077-T-A.
Other names: c.1885A>T, p.Lys629Ter (NM_001162426.2); c.1735A>T, p.Lys579Ter (NM_001162427.2); c.1525A>T, p.Lys509Ter (NM_001362177.2); short protein forms K629*, K630*, K509*, K579*.
Identifiers: ClinVar variation 1418083 (VCV001418083.6), dbSNP rs1158059433, ClinGen allele CA375362900.

ClinVar aggregate classification (germline): Pathogenic (1 of 4 stars; one submission).

Conditions:
Tuberous sclerosis 1 (TSC1). Identifiers: Orphanet 805, MedGen C1854465, MONDO:0008612, OMIM 191100.

Submission:

Labcorp Genetics (formerly Invitae), Labcorp
Classification: Pathogenic for Tuberous sclerosis 1. Last evaluated: 2021-10-21. Review status: criteria provided, single submitter. Criteria: Invitae Variant Classification Sherloc (09022015). Collection method: clinical testing. Allele origin: germline.
Comment: For these reasons, this variant has been classified as Pathogenic. This sequence change creates a premature translational stop signal (p.Lys630*) in the TSC1 gene. It is expected to result in an absent or disrupted protein product. Loss-of-function variants in TSC1 are known to be pathogenic (PMID: 10227394, 17304050). This variant is not present in population databases (ExAC no frequency). This variant has not been reported in the literature in individuals affected with TSC1-related conditions. Algorithms developed to predict the effect of sequence changes on RNA splicing suggest that this variant may create or strengthen a splice site.

Literature cited by the submitters: PubMed 10227394; PubMed 17304050.